The following is an entry in ClinVar:

NM_001282225.2(ADA2):c.578C>T (p.Pro193Leu)

Gene: ADA2 (adenosine deaminase 2; minus strand). Cytogenetic location: 22q11.1.
Variant type: single nucleotide variant.
Coding change: c.578C>T on transcript NM_001282225.2 (MANE Select); coding-DNA position 578, C replaced by T.
Protein change: p.Pro193Leu; replaces proline 193 with leucine.
Molecular consequence: missense variant.
Genome position (GRCh38, 1-based): chr22:17,203,738, G>A on the plus strand (C>T on the coding strand, the complement: ADA2 is on the minus strand). VCF-style: chr22-17203738-G-A. GRCh37 (hg19) VCF-style: chr22-17684628-G-A.
Other names: c.578C>T, p.Pro193Leu (NM_001282226.2); c.452C>T, p.Pro151Leu (NM_001282227.2, NM_001282228.2); c.218C>T, p.Pro73Leu (NM_001282229.2); short protein forms P73L, P151L, P193L.
Identifiers: ClinVar variation 647422 (VCV000647422.15), dbSNP rs199567025, ClinGen allele CA10088182.

ClinVar aggregate classification (germline): Conflicting classifications of pathogenicity. Review status: criteria provided, conflicting classifications (1 of 4 stars). 4 submissions from 4 submitters: Pathogenic (1); Likely pathogenic (2); Uncertain significance (1). Last evaluated 2025-12-29.

Conditions:
Autoinflammatory syndrome. Identifiers: Orphanet 93665, MedGen C3890737, MONDO:0019751.
Deficiency of adenosine deaminase 2. Also called: Polyarteritis nodosa, childhoood-onset; Adenosine Deaminase 2 Deficiency; VASCULITIS, AUTOINFLAMMATION, IMMUNODEFICIENCY, AND HEMATOLOGIC DEFECTS SYNDROME. Identifiers: Orphanet 404553, MedGen C3887654, MONDO:0014306, OMIM 615688, MONDO:0100317.
Sneddon syndrome (SNDNS). Also called: Idiopathic livedo reticularis with systemic involvement; LIVEDO RETICULARIS AND CEREBROVASCULAR ACCIDENTS. Identifiers: Orphanet 820, MedGen C0282492, MONDO:0008436, OMIM 182410.

Allele frequency attached by ClinVar (database versions not stated): gnomAD 0.00001; gnomAD exomes 0.00002; TOPMed 0.00003.
gnomAD v4.1: 13 of 1,613,852 alleles (0.00081%); highest among the groups gnomAD compares: Admixed American, 0.0067%; no homozygotes.

Submissions (4):

Labcorp Genetics (formerly Invitae), Labcorp
Classification: Pathogenic for Deficiency of adenosine deaminase 2. Last evaluated: 2025-12-29. Review status: criteria provided, single submitter. Criteria: Invitae Variant Classification Sherloc (09022015). Collection method: clinical testing. Allele origin: germline.
Comment: This sequence change replaces proline, which is neutral and non-polar, with leucine, which is neutral and non-polar, at codon 193 of the ADA2 protein (p.Pro193Leu). This variant is present in population databases (rs199567025, gnomAD 0.01%). This missense change has been observed in individual(s) with deficiency of adenosine deaminase 2 (PMID: 25278816, 31584751, 36807221; internal data). In at least one individual the data is consistent with being in trans (on the opposite chromosome) from a pathogenic variant. ClinVar contains an entry for this variant (Variation ID: 647422). Invitae Evidence Modeling of protein sequence and biophysical properties (such as structural, functional, and spatial information, amino acid conservation, physicochemical variation, residue mobility, and thermodynamic stability) has been performed for this missense variant. However, the output from this modeling did not meet the statistical confidence thresholds required to predict the impact of this variant on ADA2 protein function. Experimental studies have shown that this missense change affects ADA2 function (PMID: 34004258). For these reasons, this variant has been classified as Pathogenic.

3billion
Classification: Likely pathogenic for Deficiency of adenosine deaminase 2. Last evaluated: 2025-03-17. Review status: criteria provided, single submitter. Criteria: ACMG Guidelines, 2015. Collection method: clinical testing. Allele origin: germline. Affected: yes.

Fulgent Genetics
Classification: Likely pathogenic for Sneddon syndrome; Deficiency of adenosine deaminase 2. Last evaluated: 2024-05-25. Review status: criteria provided, single submitter. Criteria: ACMG Guidelines, 2015. Collection method: clinical testing. Allele origin: germline.

Genome Diagnostics Laboratory, The Hospital for Sick Children
Classification: Uncertain significance for Autoinflammatory syndrome. Last evaluated: 2021-09-13. Review status: criteria provided, single submitter. Criteria: ACMG Guidelines, 2015. Collection method: clinical testing. Allele origin: germline. Affected: yes.

Literature cited by the submitters: PubMed 25278816 (cited by Labcorp Genetics (formerly Invitae), Labcorp and 3billion); PubMed 31584751 (cited by Labcorp Genetics (formerly Invitae), Labcorp); PubMed 36807221 (cited by Labcorp Genetics (formerly Invitae), Labcorp); PubMed 34004258 (cited by Labcorp Genetics (formerly Invitae), Labcorp).